The following is an entry in ClinVar:

NM_015160.3(PMPCA):c.1422G>A (p.Pro474=)

Gene: PMPCA (peptidase, mitochondrial processing subunit alpha; plus strand). Cytogenetic location: 9q34.3.
Variant type: single nucleotide variant.
Coding change: c.1422G>A on transcript NM_015160.3 (MANE Select); coding-DNA position 1422, G replaced by A.
Protein change: p.Pro474=; no amino-acid change (proline 474 retained).
Molecular consequence: synonymous variant.
Genome position (GRCh38, 1-based): chr9:136,423,108, G>A. VCF-style: chr9-136423108-G-A. GRCh37 (hg19) VCF-style: chr9-139317560-G-A.
Other names: p.Pro474=; c.1029G>A, p.Pro343= (NM_001282944.2); c.1122G>A, p.Pro374= (NM_001282946.2).
Identifiers: ClinVar variation 732418 (VCV000732418.12), dbSNP rs138731842, ClinGen allele CA5336551.

ClinVar aggregate classification (germline): Likely benign. Review status: criteria provided, multiple submitters, no conflicts (2 of 4 stars). 6 submissions from 6 submitters: Likely benign (5). 1 of the submissions does not count toward it. Last evaluated 2026-09-01.

Conditions:
PMPCA-related disorder. Also called: PMPCA-related condition.

Allele frequency attached by ClinVar (database versions not stated): ESP Exome Variant Server 0.00008; gnomAD 0.00011; TOPMed 0.00011; gnomAD exomes 0.00016; ExAC 0.00018.
gnomAD v4.1: 148 of 1,612,656 alleles (0.0092%); highest among the groups gnomAD compares: Middle Eastern, 0.18%; no homozygotes.

Submissions (6):

CeGaT Center for Human Genetics Tuebingen
Classification: Likely benign. Last evaluated: 2026-09-01. Review status: criteria provided, single submitter. Criteria: CeGaT Center For Human Genetics Tuebingen Variant Classification Criteria Version 2. Collection method: clinical testing. Allele origin: germline. Affected: yes. Observed: 1 variant allele.
Comment: PMPCA: BP4, BP7

Labcorp Genetics (formerly Invitae), Labcorp
Classification: Likely benign. Last evaluated: 2026-01-08. Review status: criteria provided, single submitter. Criteria: Invitae Variant Classification Sherloc (09022015). Collection method: clinical testing. Allele origin: germline.

Mayo Clinic Laboratories, Mayo Clinic
Classification: Likely benign. Last evaluated: 2025-03-25. Review status: criteria provided, single submitter. Criteria: ACMG Guidelines, 2015. Collection method: clinical testing. Allele origin: germline. Observed: 1 variant allele.
Comment: BP4, BP7

Blueprint Genetics
Classification: Likely benign. Last evaluated: 2024-09-04. Review status: criteria provided, single submitter. Criteria: ACMG Guidelines, 2015. Collection method: clinical testing. Allele origin: germline.

Breakthrough Genomics
Classification: Likely benign. Review status: criteria provided, single submitter. Criteria: ACMG Guidelines, 2015. Collection method: not provided. Allele origin: germline. Inheritance: Autosomal recessive inheritance. Affected: yes.

PreventionGenetics, part of Exact Sciences
Classification: Likely benign for PMPCA-related condition. Last evaluated: 2020-01-09. Review status: no assertion criteria provided. Collection method: clinical testing. Allele origin: germline. Not counted in ClinVar's aggregate classification.
Comment: This variant is classified as likely benign based on ACMG/AMP sequence variant interpretation guidelines (Richards et al. 2015 PMID: 25741868, with internal and published modifications).